The following is an entry in ClinVar:

NM_003620.4(PPM1D):c.1386A>T (p.Gln462His)

Gene: PPM1D (protein phosphatase, Mg2+/Mn2+ dependent 1D; plus strand). Cytogenetic location: 17q23.2.
Variant type: single nucleotide variant.
Coding change: c.1386A>T on transcript NM_003620.4 (MANE Select); coding-DNA position 1386, A replaced by T.
Protein change: p.Gln462His; replaces glutamine 462 with histidine.
Molecular consequence: missense variant.
Genome position (GRCh38, 1-based): chr17:60,663,120, A>T. VCF-style: chr17-60663120-A-T. GRCh37 (hg19) VCF-style: chr17-58740481-A-T.
Other names: short protein forms Q462H.
Identifiers: ClinVar variation 4936289 (VCV004936289.2).
Genomic context (GRCh38, chr17:60,663,120, plus strand): 5'-CAATGCCTTCTCAGAGAATTTTTTAGAGGTTTCAGCTGAGATAGCTCGAGAGAATGTCCA[A>T]GGTGTAGTCATACCCTCAAAAGATCCAGAACCACTTGAAGAAAATTGCGCTAAAGCCCTG-3'
Protein context (NP_003611.1, residues 452-472): VSAEIARENV[Gln462His]GVVIPSKDPE

ClinVar aggregate classification (germline): Uncertain significance. Review status: criteria provided, multiple submitters, no conflicts (2 of 4 stars). 2 submissions from 2 submitters: Uncertain significance (2). Last evaluated 2026-04-21.

gnomAD v4.1: 1 of 1,614,200 alleles (0.000062%); highest among the groups gnomAD compares: Non-Finnish European, 0.000085%; no homozygotes.

Submissions (2):

GeneDx
Classification: Uncertain significance. Last evaluated: 2026-04-21. Review status: criteria provided, single submitter. Criteria: GeneDx Variant Classification Process June 2021. Collection method: clinical testing. Allele origin: germline.
Comment: Not observed at significant frequency in large population cohorts (gnomAD); In silico analysis suggests that this missense variant does not alter protein structure/function; Has not been previously published as pathogenic or benign to our knowledge

Blueprint Genetics
Classification: Uncertain significance. Last evaluated: 2022-06-24. Review status: criteria provided, single submitter. Criteria: ACMG Guidelines, 2015. Collection method: clinical testing. Allele origin: germline.